The following continues an entry in ClinVar:

NM_024675.4(PALB2):c.172_175del (p.Gln60fs)

ClinVar aggregate classification (germline): Pathogenic/Likely pathogenic. Pathogenic (38); Likely pathogenic (1).

Submissions 12 to 34 of 47:

Ambry Genetics
Classification: Pathogenic for Hereditary cancer-predisposing syndrome. Last evaluated: 2025-03-26. Review status: criteria provided, single submitter. Criteria: Ambry Variant Classification Scheme 2023. Collection method: clinical testing. Allele origin: germline.
Comment: The c.172_175delTTGT pathogenic mutation, located in coding exon 3 of the PALB2 gene, results from a deletion of 4 nucleotides at nucleotide positions 172 to 175, causing a translational frameshift with a predicted alternate stop codon (p.Q60Rfs*7). This alteration has been reported in individuals diagnosed with pancreatic, breast and ovarian cancer, including multiple individuals with family histories significant for PALB2-related cancers (Jones S et al. Science. 2009 Apr;324:217; Casadei S et al. Cancer Res. 2011 Mar;71:2222-9; Prokofyeva D et al. Clin. Genet. 2012 Jul;82:100-1; Janatova M et al. Cancer Epidemiol. Biomarkers Prev. 2013 Dec;22:2323-32; Cybulski C et al. Lancet Oncol. 2015 Jun;16:638-44; Kluska A et al. BMC Med Genomics. 2017 Mar;10(1):14; Myszka A et al. Fam. Cancer. 2018 07;17(3):345-349). It was also seen in an individual diagnosed with medulloblastoma (Waszak SM et al. Lancet Oncol. 2018 06;19(6):785-798). In addition to the clinical data presented in the literature, this alteration is expected to result in loss of function by premature protein truncation or nonsense-mediated mRNA decay. As such, this alteration is interpreted as a disease-causing mutation.

Department of Clinical Genetics, Copenhagen University Hospital, Rigshospitalet
Classification: Pathogenic for Hereditary cancer-predisposing syndrome. Last evaluated: 2025-02-04. Review status: criteria provided, single submitter. Criteria: ACMG Guidelines, 2015. Collection method: clinical testing. Allele origin: germline.
Comment: PVS1; PM5_SUP; PP1

Department of Human Genetics, Hannover Medical School
Classification: Pathogenic for Breast-ovarian cancer, familial, susceptibility to, 5. Last evaluated: 2024-10-15. Review status: criteria provided, single submitter. Criteria: ACMG Guidelines, 2015. Collection method: clinical testing. Allele origin: germline. Affected: yes.
Comment: ACMG/ClinGen VCEP PALB2: PVS1, PS4, PM5_Supporting

Cambridge Genomics Laboratory, East Genomic Laboratory Hub, NHS Genomic Medicine Service
Classification: Pathogenic for Inherited breast cancer and ovarian cancer. Last evaluated: 2024-09-05. Review status: criteria provided, single submitter. Criteria: ACGS Best Practice Guidelines for Variant Classification in Rare Disease 2020. Collection method: clinical testing. Allele origin: germline. Affected: yes.
Comment: PVS1,PS4_Moderate,PM5_Supporting

Institute of Human Genetics, University of Leipzig Medical Center
Classification: Pathogenic for Familial cancer of breast. Last evaluated: 2024-03-20. Review status: criteria provided, single submitter. Criteria: ACMG Guidelines, 2015. Collection method: clinical testing. Allele origin: paternal. Inheritance: Autosomal dominant inheritance. Affected: yes.
Comment: Criteria applied: PVS1,PS4,PM5_SUP

Baylor Genetics
Classification: Pathogenic for Familial cancer of breast. Last evaluated: 2024-03-10. Review status: criteria provided, single submitter. Criteria: ACMG Guidelines, 2015. Collection method: clinical testing. Allele origin: unknown.

Institute of Human Genetics, University of Leipzig Medical Center
Classification: Pathogenic for Pancreatic cancer, susceptibility to, 3. Last evaluated: 2023-12-14. Review status: criteria provided, single submitter. Criteria: ACMG Guidelines, 2015. Collection method: clinical testing. Allele origin: unknown. Inheritance: Autosomal dominant inheritance. Affected: yes.
Comment: Criteria applied: PVS1,PS4

Clinical Genetics Laboratory, Skane University Hospital Lund
Classification: Pathogenic. Last evaluated: 2023-06-28. Review status: criteria provided, single submitter. Criteria: ACMG Guidelines, 2015. Collection method: clinical testing. Allele origin: germline. Affected: yes.

Blueprint Genetics
Classification: Pathogenic for PALB2-related disorders. Last evaluated: 2023-04-05. Review status: criteria provided, single submitter. Criteria: ACMG Guidelines, 2015. Collection method: clinical testing. Allele origin: germline. Affected: yes. Observed: 5 variant alleles.

Myriad Genetics, Inc.
Classification: Pathogenic for Familial cancer of breast. Last evaluated: 2023-04-03. Review status: criteria provided, single submitter. Criteria: Myriad Autosomal Dominant, Autosomal Recessive and X-Linked Classification Criteria (2023). Collection method: clinical testing. Allele origin: unknown.
Comment: This variant is considered pathogenic. This variant creates a frameshift predicted to result in premature protein truncation.

Centre for Mendelian Genomics, University Medical Centre Ljubljana
Classification: Pathogenic for Familial cancer of breast. Last evaluated: 2022-12-09. Review status: criteria provided, single submitter. Criteria: ACMG Guidelines, 2015. Collection method: research. Allele origin: germline. Affected: no.
Comment: PVS1, PS4_STR

AURAGEN, Plan France Médecine Génomique
Classification: Pathogenic for Neoplasm. Last evaluated: 2022-10-11. Review status: criteria provided, single submitter. Criteria: PFMG2025 (Lancet Reg Health Eur. 2025). Collection method: clinical testing. Allele origin: germline. Affected: yes.

MGZ Medical Genetics Center
Classification: Pathogenic for Familial cancer of breast. Last evaluated: 2022-06-03. Review status: criteria provided, single submitter. Criteria: ACMG Guidelines, 2015. Collection method: clinical testing. Allele origin: germline. Affected: yes. Observed: 1 variant allele.
Comment: ACMG criteria applied: PVS1, PS4_MOD, PM2_SUP

Fulgent Genetics
Classification: Pathogenic for Familial cancer of breast; Fanconi anemia complementation group N; Pancreatic cancer, susceptibility to, 3. Last evaluated: 2022-01-11. Review status: criteria provided, single submitter. Criteria: ACMG Guidelines, 2015. Collection method: clinical testing. Allele origin: unknown.

Institute for Clinical Genetics, University Hospital TU Dresden, University Hospital TU Dresden
Classification: Pathogenic. Last evaluated: 2021-11-03. Review status: criteria provided, single submitter. Criteria: ACMG Guidelines, 2015. Collection method: clinical testing. Allele origin: germline.

Sema4
Classification: Pathogenic for Hereditary cancer-predisposing syndrome. Last evaluated: 2021-04-30. Review status: criteria provided, single submitter. Criteria: Sema4 Curation Guidelines. Collection method: curation. Allele origin: germline.
Comment: The PABL2 c.172_175del (p.Q60RfsX7) variant has been reported in individuals with breast cancer (PMID:21285249, 21618343, 24136930, 27488870, 30426508, 31312277). This variant has also been reported in individuals with ovarian cancer (PMID:22310028, 30322717,29052111). In a case-control study, this variant showed a strong association with an increased risk of breast cancer (OR=5.02; p=0.0016) (PMID:25959805). This variant causes a frameshift at amino acid 60 that results in premature termination 7 amino acids downstream. At this location, this is predicted to cause nonsense-mediated decay and result in an absent protein (loss of function). Loss of function variants in PALB2 are known to be pathogenic (PMID:25099575). This variant was observed in 1/10368 chromosomes in the Ashkenazi Jewish population and in 10/129184 chromosomes in the European(non-Finnish) population according to the Genome Aggregation Database. The variant has been reported in ClinVar (Variation ID 126623). Based on the current evidence available, this variant is interpreted as pathogenic.

Institute of Medical Genetics and Applied Genomics, University Hospital Tübingen
Classification: Pathogenic. Last evaluated: 2020-10-23. Review status: criteria provided, single submitter. Criteria: ACMG Guidelines, 2015. Collection method: clinical testing. Allele origin: germline. Inheritance: Unknown mechanism. Affected: yes.

Department of Molecular Diagnostics, Institute of Oncology Ljubljana
Classification: Pathogenic for Familial cancer of breast. Last evaluated: 2020-04-02. Review status: criteria provided, single submitter. Criteria: ACMG Guidelines, 2015. Collection method: clinical testing. Allele origin: germline. Affected: yes.

GeneKor MSA
Classification: Pathogenic for Hereditary cancer-predisposing syndrome. Last evaluated: 2020-01-01. Review status: criteria provided, single submitter. Criteria: ACMG Guidelines, 2015. Collection method: clinical testing. Allele origin: germline. Affected: yes.
Comment: This variation is a deletion of 4 nucleotides from exon 3 of the PALB2 mRNA, causing a frameshift after codon 60 and the creation of a premature translation stop signal 7 amino acid residues later p.(Gln60Argfs*7). This is expected to result in an absent or disrupted protein product. Truncating mutation in PALB2 gene are known to be pathogenic. The mutation database ClinVar contains multiple entries for this variant (Variation ID: 126623).

Department of Pathology and Laboratory Medicine, Sinai Health System
Classification: Pathogenic for Fanconi anemia complementation group N; Pancreatic cancer, susceptibility to, 3; Breast-ovarian cancer, familial, susceptibility to, 5. Last evaluated: 2019-12-12. Review status: criteria provided, single submitter. Criteria: ACMG Guidelines, 2015. Collection method: clinical testing. Allele origin: germline. Affected: yes.

GeneDx
Classification: Pathogenic. Last evaluated: 2019-09-17. Review status: criteria provided, single submitter. Criteria: GeneDx Variant Classification Process June 2021. Collection method: clinical testing. Allele origin: germline. Affected: yes.
Comment: Recurrent variant in Polish and Czech populations (Janatova 2013, Cybulski 2015); Frameshift variant predicted to result in protein truncation or nonsense mediated decay in a gene for which loss-of-function is a known mechanism of disease; Case control studies suggest this variant is associated with breast and pancreatic cancer (Cybulski 2015, Lener 2016); Observed in individuals with a personal or family history consistent with pathogenic variants in this gene (Jones 2009, Casadei 2011, Hellebrand 2011, Janatova 2013, Thompson 2015, Kluska 2017, Kraus 2017); This variant is associated with the following publications: (PMID: 26283626, 22310028, 24136930, 30716324, 19264984, 21285249, 25330149, 25959805, 21618343, 27038244, 23935381, 24982446, 28008555, 27488870, 26843898, 27099641, 27616075, 23242139, 26681312, 27757719, 28279176, 28281021, 28454591, 28724667, 28657667, 25452441, 24549055, 29052111, 29753700, 30086788, 30426508, 30322717, 31159747, 30113427, 31312277, 31757951, 29625052, 26689913, 32052252, 31447099, 31948886, 32339256)

Revvity Omics, Revvity
Classification: Pathogenic. Last evaluated: 2019-06-13. Review status: criteria provided, single submitter. Criteria: ACMG Guidelines, 2015. Collection method: clinical testing. Allele origin: germline.

Clinical Genetics and Genomics, Karolinska University Hospital
Classification: Pathogenic. Last evaluated: 2019-04-26. Review status: criteria provided, single submitter. Criteria: ACMG Guidelines, 2015. Collection method: clinical testing. Allele origin: germline. Affected: yes. Observed: 6 variant alleles.